The following is an entry in ClinVar:

ClinVar aggregate classification (germline): Uncertain significance (1 of 4 stars; one submission).

Submission:

GeneDx
Classification: Uncertain significance. Last evaluated: 2024-05-16. Review status: criteria provided, single submitter. Criteria: GeneDx Variant Classification Process June 2021. Collection method: clinical testing. Allele origin: germline. Affected: yes.
Comment: Not observed at significant frequency in large population cohorts (gnomAD); In silico analysis indicates that this missense variant does not alter protein structure/function; Has not been previously published as pathogenic or benign to our knowledge

NM_138615.3(DHX30):c.3469C>G (p.Leu1157Val)

Gene: DHX30 (DExH-box helicase 30; plus strand). Cytogenetic location: 3p21.31.
Variant type: single nucleotide variant.
Coding change: c.3469C>G on transcript NM_138615.3 (MANE Select); coding-DNA position 3469, C replaced by G.
Protein change: p.Leu1157Val; replaces leucine 1157 with valine.
Molecular consequence: missense variant.
Genome position (GRCh38, 1-based): chr3:47,850,004, C>G. VCF-style: chr3-47850004-C-G. GRCh37 (hg19) VCF-style: chr3-47891494-C-G.
Other names: c.3385C>G, p.Leu1129Val (NM_001330990.2); c.3352C>G, p.Leu1118Val (NM_014966.4); short protein forms L1118V, L1129V, L1157V.
Identifiers: ClinVar variation 3377941 (VCV003377941.1).